The following is an entry in ClinVar:

ClinVar aggregate classification (germline): Likely benign. Review status: criteria provided, single submitter (1 of 4 stars). 2 submissions from 2 submitters: Likely benign (1). 1 of the submissions does not count toward it. Last evaluated 2025-12-01.

Conditions:
BBS12-related disorder. Also called: BBS12-related condition.
Bardet-Biedl syndrome (BBS). Identifiers: Orphanet 110, MedGen C0752166, MONDO:0015229.

Allele frequency attached by ClinVar (database versions not stated): ExAC 0.00001; TOPMed 0.00001; gnomAD exomes 0.00002 and 0.00007; gnomAD 0.00003 and 0.00004.

Submissions (2):

Labcorp Genetics (formerly Invitae), Labcorp
Classification: Likely benign for Bardet-Biedl syndrome. Last evaluated: 2025-12-01. Review status: criteria provided, single submitter. Criteria: Invitae Variant Classification Sherloc (09022015). Collection method: clinical testing. Allele origin: germline.

PreventionGenetics, part of Exact Sciences
Classification: Likely benign for BBS12-related condition. Last evaluated: 2021-02-04. Review status: no assertion criteria provided. Collection method: clinical testing. Allele origin: germline. Not counted in ClinVar's aggregate classification.
Comment: This variant is classified as likely benign based on ACMG/AMP sequence variant interpretation guidelines (Richards et al. 2015 PMID: 25741868, with internal and published modifications).

NM_152618.3(BBS12):c.60A>G (p.Ser20=)

Gene: BBS12 (Bardet-Biedl syndrome 12; plus strand). Cytogenetic location: 4q27.
Variant type: single nucleotide variant.
Coding change: c.60A>G on transcript NM_152618.3 (MANE Select); coding-DNA position 60, A replaced by G.
Protein change: p.Ser20=; no amino-acid change (serine 20 retained).
Molecular consequence: synonymous variant.
Genome position (GRCh38, 1-based): chr4:122,741,952, A>G. VCF-style: chr4-122741952-A-G. GRCh37 (hg19) VCF-style: chr4-123663107-A-G.
Other names: c.60A>G, p.Ser20= (NM_001178007.2).
Identifiers: ClinVar variation 698433 (VCV000698433.11), dbSNP rs759975718, ClinGen allele CA3069228.